The following is an entry in ClinVar:

ClinVar aggregate classification (germline): Conflicting classifications of pathogenicity. Review status: criteria provided, conflicting classifications (1 of 4 stars). 4 submissions from 2 submitters: Uncertain significance (2); Benign (2). Last evaluated 2018-01-12.

Conditions:
Maturity-onset diabetes of the young type 13. Also called: MODY, TYPE 13. Identifiers: Orphanet 552, MedGen C4225365, MONDO:0014589, OMIM 616329.
Maturity-onset diabetes of the young (MODY). Also called: Maturity onset diabetes mellitus in young. Identifiers: Orphanet 552, MedGen C0342276, MONDO:0018911, HP:0004904.
Diabetes mellitus, transient neonatal, 3 (TNDM3). Identifiers: Orphanet 99886, MedGen C1864623, MONDO:0012522, OMIM 610582. Disease mechanism: loss of function.
Hyperinsulinemic hypoglycemia, familial, 2. Also called: HYPERINSULINEMIC HYPOGLYCEMIA, PERSISTENT; HYPERINSULINISM, NEONATAL. Identifiers: Orphanet 276580, Orphanet 276603, MedGen C2931833, MONDO:0011153, OMIM 601820. Disease mechanism: loss of function.

Allele frequency attached by ClinVar (database versions not stated): 1000 Genomes Project 0.00220; 1000 Genomes Project 30x 0.00234; gnomAD exomes 0.00355; TOPMed 0.00407; gnomAD 0.00510.

Submissions (4):

Illumina Laboratory Services, Illumina
Classification: Uncertain significance for Hyperinsulinemic hypoglycemia, familial, 2. Last evaluated: 2018-01-12. Review status: criteria provided, single submitter. Criteria: ICSL Variant Classification Criteria 13 December 2019. Collection method: clinical testing. Allele origin: germline.

Illumina Laboratory Services, Illumina
Classification: Benign for Diabetes mellitus, transient neonatal, 3. Last evaluated: 2018-01-12. Review status: criteria provided, single submitter. Criteria: ICSL Variant Classification Criteria 13 December 2019. Collection method: clinical testing. Allele origin: germline.
Comment: This variant was observed in the ICSL laboratory as part of a predisposition screen in an ostensibly healthy population. It had not been previously curated by ICSL or reported in the Human Gene Mutation Database (HGMD: prior to June 1st, 2018), and was therefore a candidate for classification through an automated scoring system. Utilizing variant allele frequency, disease prevalence and penetrance estimates, and inheritance mode, an automated score was calculated to assess if this variant is too frequent to cause the disease. Based on the score and internal cut-off values, a variant classified as benign is not then subjected to further curation. The score for this variant resulted in a classification of benign for this disease.

Illumina Laboratory Services, Illumina
Classification: Benign for Maturity-onset diabetes of the young type 13. Last evaluated: 2018-01-12. Review status: criteria provided, single submitter. Criteria: ICSL Variant Classification Criteria 13 December 2019. Collection method: clinical testing. Allele origin: germline.
Comment: the same text as in the submission from Illumina Laboratory Services, Illumina above.

Clinical Genomics, Uppaluri K&H Personalized Medicine Clinic
Classification: Uncertain significance for Maturity-onset diabetes of the young. Review status: criteria provided, single submitter. Criteria: K & H Uppaluri Personalized Medicine Clinic Variant Classification & Assertion Criteria_Updated V.1. Collection method: research. Allele origin: somatic. Inheritance: Autosomal dominant inheritance.
Comment: Mutations in KCNJ11 gene can cause decreased production and secretion of insulin. This can lead to MODY which may be responsive to oral sulfonylureas. It is also associated with Neonatal Diabetes. However, no sufficient evidence is found to ascertain the role of this particular variant (rs115826080) in MODY yet.

Literature cited by the submitters: PubMed 26448950 (cited by Clinical Genomics, Uppaluri K&H Personalized Medicine Clinic); PubMed 15580558 (cited by Clinical Genomics, Uppaluri K&H Personalized Medicine Clinic); PubMed 15718250 (cited by Clinical Genomics, Uppaluri K&H Personalized Medicine Clinic); PubMed 32935446 (cited by Clinical Genomics, Uppaluri K&H Personalized Medicine Clinic); PubMed 22701567 (cited by Clinical Genomics, Uppaluri K&H Personalized Medicine Clinic).

NM_000525.4(KCNJ11):c.*529G>A

Gene: KCNJ11 (potassium inwardly rectifying channel subfamily J member 11; minus strand). Cytogenetic location: 11p15.1.
Variant type: single nucleotide variant.
Coding change: c.*529G>A on transcript NM_000525.4 (MANE Select); 529 bases downstream of the stop codon, G replaced by A.
Molecular consequence: 3 prime UTR variant.
Genome position (GRCh38, 1-based): chr11:17,386,390, C>T on the plus strand (G>A on the coding strand, the complement: KCNJ11 is on the minus strand). VCF-style: chr11-17386390-C-T. GRCh37 (hg19) VCF-style: chr11-17407937-C-T.
Other names: c.*529G>A (NM_001166290.2, NM_001377296.1, NM_001377297.1).
Identifiers: ClinVar variation 303720 (VCV000303720.6), dbSNP rs115826080, ClinGen allele CA10637944.
Genomic context (GRCh38, chr11:17,386,390, plus strand): 5'-CCTTCCAGACCTGAAACTGGCCCTCGGAGGGGAGCCCTGTCAGCCCCAGGCTGTCCCTGC[C>T]GGTGTAGGCTCCACAGCACCAACCCTCCAGCGGGAACACCCTCTCTCATCAACTGCCCTC-3'